The following is an entry in ClinVar:

NM_020686.6(ABAT):c.1208A>G (p.Asp403Gly)

Gene: ABAT (4-aminobutyrate aminotransferase; plus strand). Cytogenetic location: 16p13.2.
Variant type: single nucleotide variant.
Coding change: c.1208A>G on transcript NM_020686.6 (MANE Select); coding-DNA position 1208, A replaced by G.
Protein change: p.Asp403Gly; replaces aspartic acid 403 with glycine.
Molecular consequence: missense variant.
Genome position (GRCh38, 1-based): chr16:8,776,429, A>G. VCF-style: chr16-8776429-A-G. GRCh37 (hg19) VCF-style: chr16-8870286-A-G.
Other names: c.1208A>G, p.Asp403Gly (NM_000663.5, NM_001127448.2, NM_001386600.1 and 6 more transcripts); c.1169A>G, p.Asp390Gly (NM_001386605.1); c.1145A>G, p.Asp382Gly (NM_001386606.1, NM_001386607.1); c.1115A>G, p.Asp372Gly (NM_001386608.1); c.1073A>G, p.Asp358Gly (NM_001386610.1, NM_001386611.1); c.1010A>G, p.Asp337Gly (NM_001386612.1, NM_001386613.1); c.962A>G, p.Asp321Gly (NM_001386614.1); c.1304A>G, p.Asp435Gly (NM_001386615.1); short protein forms D403G, D321G, D337G, D358G, D372G, D382G, D390G, D435G.
Identifiers: ClinVar variation 1011486 (VCV001011486.6), dbSNP rs1395351659, ClinGen allele CA394690316.

ClinVar aggregate classification (germline): Uncertain significance (1 of 4 stars; one submission).

Conditions:
Gamma-aminobutyric acid transaminase deficiency (GABATD). Also called: GABA transaminase deficiency; Gamma aminobutyrate transaminase deficiency; 4 alpha aminobutyrate transaminase deficiency; GABA aminotransaminase deficiency. Identifiers: Orphanet 2066, MedGen C0342708, MONDO:0013166, OMIM 613163.

Allele frequency attached by ClinVar (database versions not stated): gnomAD exomes below 0.00001; TOPMed 0.00001.
gnomAD v4.1: 4 of 1,614,132 alleles (0.00025%); highest among the groups gnomAD compares: Admixed American, 0.0017%; no homozygotes.

Submission:

Labcorp Genetics (formerly Invitae), Labcorp
Classification: Uncertain significance for Gamma-aminobutyric acid transaminase deficiency. Last evaluated: 2021-08-30. Review status: criteria provided, single submitter. Criteria: Invitae Variant Classification Sherloc (09022015). Collection method: clinical testing. Allele origin: germline.
Comment: This sequence change replaces aspartic acid with glycine at codon 403 of the ABAT protein (p.Asp403Gly). The aspartic acid residue is moderately conserved and there is a moderate physicochemical difference between aspartic acid and glycine. This variant is not present in population databases (ExAC no frequency). This variant has not been reported in the literature in individuals affected with ABAT-related conditions. Algorithms developed to predict the effect of missense changes on protein structure and function (SIFT, PolyPhen-2, Align-GVGD) all suggest that this variant is likely to be tolerated. In summary, the available evidence is currently insufficient to determine the role of this variant in disease. Therefore, it has been classified as a Variant of Uncertain Significance.